The following is an entry in ClinVar:

ClinVar aggregate classification (germline): Uncertain significance. Review status: criteria provided, multiple submitters, no conflicts (2 of 4 stars). 2 submissions from 2 submitters: Uncertain significance (2). Last evaluated 2024-02-05.

Conditions:
Inborn genetic diseases. Identifiers: MedGen C0950123, MeSH D030342.

Allele frequency attached by ClinVar (database versions not stated): gnomAD exomes 0.00003 and 0.00001; ExAC 0.00005; TOPMed 0.00006; gnomAD 0.00008 and 0.00009.

Submissions (3):

Ambry Genetics
Classification: Uncertain significance for Inborn genetic diseases. Last evaluated: 2024-02-05. Review status: criteria provided, single submitter. Criteria: Ambry Variant Classification Scheme 2023. Collection method: clinical testing. Allele origin: germline.

Labcorp Genetics (formerly Invitae), Labcorp
Classification: Uncertain significance. Last evaluated: 2021-10-20. Review status: criteria provided, single submitter. Criteria: Invitae Variant Classification Sherloc (09022015). Collection method: clinical testing. Allele origin: germline.
Comment: In summary, the available evidence is currently insufficient to determine the role of this variant in disease. Therefore, it has been classified as a Variant of Uncertain Significance. Algorithms developed to predict the effect of missense changes on protein structure and function (SIFT, PolyPhen-2, Align-GVGD) all suggest that this variant is likely to be disruptive. This sequence change replaces arginine with tryptophan at codon 243 of the SLC25A19 protein (p.Arg243Trp). The arginine residue is highly conserved and there is a moderate physicochemical difference between arginine and tryptophan. This variant is present in population databases (rs773250006, ExAC 0.01%). This variant has not been reported in the literature in individuals affected with SLC25A19-related conditions.

Dr. Peter K. Rogan Lab, Western University
No classification provided (evidence only). Condition: Malignant tumor of urinary bladder. Review status: no classification provided. Collection method: in vitro. Allele origin: not applicable. Functional consequence: skipped exon, retained intron. Not counted in ClinVar's aggregate classification.

NM_001126121.2(SLC25A19):c.727C>T (p.Arg243Trp)

Gene: SLC25A19 (solute carrier family 25 member 19; minus strand). Cytogenetic location: 17q25.1.
Variant type: single nucleotide variant.
Coding change: c.727C>T on transcript NM_001126121.2 (MANE Select); coding-DNA position 727, C replaced by T.
Protein change: p.Arg243Trp; replaces arginine 243 with tryptophan.
Molecular consequence: missense variant.
Genome position (GRCh38, 1-based): chr17:75,277,400, G>A on the plus strand (C>T on the coding strand, the complement: SLC25A19 is on the minus strand). VCF-style: chr17-75277400-G-A. GRCh37 (hg19) VCF-style: chr17-73273481-G-A.
Other names: c.727C>T (NM_021734.4); c.727C>T, p.Arg243Trp (NM_001126122.2, NM_021734.5); short protein forms R243W.
Identifiers: ClinVar variation 1462556 (VCV001462556.7), dbSNP rs773250006, ClinGen allele CA8760903.